The following is an entry in ClinVar:

NM_198578.4(LRRK2):c.2070+3A>C

Gene: LRRK2 (leucine rich repeat kinase 2; plus strand). Cytogenetic location: 12q12.
Variant type: single nucleotide variant.
Coding change: c.2070+3A>C on transcript NM_198578.4 (MANE Select); 3 bases into the intron after coding-DNA position 2070, A replaced by C.
Molecular consequence: intron variant.
Genome position (GRCh38, 1-based): chr12:40,278,019, A>C. VCF-style: chr12-40278019-A-C. GRCh37 (hg19) VCF-style: chr12-40671821-A-C.
Identifiers: ClinVar variation 2202075 (VCV002202075.4), dbSNP rs200986825, ClinGen allele CA235331469.

ClinVar aggregate classification (germline): Uncertain significance (1 of 4 stars; one submission).

Conditions:
Autosomal dominant Parkinson disease 8. Also called: Parkinson disease 8, susceptibility to; LRRK2-Related Parkinson Disease; Parkinson disease 8. Identifiers: Orphanet 411602, MedGen C1846862, MONDO:0011764, OMIM 607060.

Allele frequency attached by ClinVar (database versions not stated): TOPMed below 0.00001; gnomAD exomes 0.00001.
gnomAD v4.1: 13 of 1,613,854 alleles (0.00081%); highest among the groups gnomAD compares: Non-Finnish European, 0.00025%; no homozygotes.

Submission:

Labcorp Genetics (formerly Invitae), Labcorp
Classification: Uncertain significance for Autosomal dominant Parkinson disease 8. Last evaluated: 2022-10-26. Review status: criteria provided, single submitter. Criteria: Invitae Variant Classification Sherloc (09022015). Collection method: clinical testing. Allele origin: germline.
Comment: This variant is present in population databases (rs200986825, gnomAD 0.03%). This sequence change falls in intron 17 of the LRRK2 gene. It does not directly change the encoded amino acid sequence of the LRRK2 protein. It affects a nucleotide within the consensus splice site. This variant has not been reported in the literature in individuals affected with LRRK2-related conditions. Variants that disrupt the consensus splice site are a relatively common cause of aberrant splicing (PMID: 17576681, 9536098). Algorithms developed to predict the effect of sequence changes on RNA splicing suggest that this variant may disrupt the consensus splice site. In summary, the available evidence is currently insufficient to determine the role of this variant in disease. Therefore, it has been classified as a Variant of Uncertain Significance.

Literature cited by the submitters: PubMed 17576681; PubMed 9536098.